The following is an entry in ClinVar:

ClinVar aggregate classification (germline): Uncertain significance. Review status: criteria provided, multiple submitters, no conflicts (2 of 4 stars). 3 submissions from 3 submitters: Uncertain significance (3). Last evaluated 2024-04-29.

Conditions:
Hypertrophic cardiomyopathy. Also called: HYPERTROPHIC MYOCARDIOPATHY. Identifiers: Orphanet 217569, MedGen C0007194, MeSH D002312, MONDO:0005045, HP:0001639.

Submissions (3):

Labcorp Genetics (formerly Invitae), Labcorp
Classification: Uncertain significance for Hypertrophic cardiomyopathy. Last evaluated: 2024-04-29. Review status: criteria provided, single submitter. Criteria: Invitae Variant Classification Sherloc (09022015). Collection method: clinical testing. Allele origin: germline.
Comment: This sequence change replaces glutamine, which is neutral and polar, with glutamic acid, which is acidic and polar, at codon 451 of the MYH7 protein (p.Gln451Glu). This variant is not present in population databases (gnomAD no frequency). This missense change has been observed in individual(s) with hypertrophic cardiomyopathy (PMID: 31513939). ClinVar contains an entry for this variant (Variation ID: 181344). Advanced modeling of protein sequence and biophysical properties (such as structural, functional, and spatial information, amino acid conservation, physicochemical variation, residue mobility, and thermodynamic stability) performed at Invitae indicates that this missense variant is expected to disrupt MYH7 protein function with a positive predictive value of 95%. This variant is found within a region of MYH7 between codons 181 and 937 that contains the majority of the myosin head domain. Missense variants in this region have been shown to be significantly overrepresented in individuals with hypertrophic cardiomyopathy (PMID: 27532257). In summary, the available evidence is currently insufficient to determine the role of this variant in disease. Therefore, it has been classified as a Variant of Uncertain Significance.

Center for Human Genetics, University of Leuven
Classification: Uncertain significance for Hypertrophic cardiomyopathy. Last evaluated: 2018-10-31. Review status: criteria provided, single submitter. Criteria: ACMG Guidelines, 2015. Collection method: clinical testing. Allele origin: germline. Affected: yes.

GeneDx
Classification: Uncertain significance. Last evaluated: 2014-01-19. Review status: criteria provided, single submitter. Criteria: GeneDx Variant Classification (06012015). Collection method: clinical testing. Allele origin: germline. Affected: yes.
Comment: p.Gln451Glu (CAG>GAG): c.1351 C>G in exon 14 of the MYH7 gene (NM_000257.2). The Q451E variant in the MYH7 gene has not been reported as a disease-causing mutation or as a benign polymorphism to our knowledge. Q451E was not observed in approximately 6500 individuals of European and African American ancestry in the NHLBI Exome Sequencing Project, indicating it is not a common benign variant in these populations. Q451E is a non-conservative amino acid substitution as these residues differ in polarity, charge, size and/or other properties and is more likely to impact secondary structure. Mutations in nearby residues (K450E, K450T, R453C, R453H, R453L, R453S) have been reported in association with HCM, supporting the functional importance of this region of the protein. However, the Q451 residue is only conserved in mammal species. Additionally, in silico algorithms are not consistent in their predictions, but at least two concur that Q451E is benign to the protein structure/function. With the clinical and molecular information available at this time, we cannot definitively determine if Q451E is a disease-causing mutation or a rare benign variant. The variant is found in HCM panel(s).

Literature cited by the submitters: PubMed 31513939 (cited by Labcorp Genetics (formerly Invitae), Labcorp); PubMed 27532257 (cited by Labcorp Genetics (formerly Invitae), Labcorp).

NM_000257.4(MYH7):c.1351C>G (p.Gln451Glu)

Gene: MYH7 (myosin heavy chain 7; minus strand). Cytogenetic location: 14q11.2.
Variant type: single nucleotide variant.
Coding change: c.1351C>G on transcript NM_000257.4 (MANE Select); coding-DNA position 1351, C replaced by G.
Protein change: p.Gln451Glu; replaces glutamine 451 with glutamic acid.
Molecular consequence: missense variant.
Genome position (GRCh38, 1-based): chr14:23,429,011, G>C on the plus strand (C>G on the coding strand, the complement: MYH7 is on the minus strand). VCF-style: chr14-23429011-G-C. GRCh37 (hg19) VCF-style: chr14-23898220-G-C.
Other names: p.Q451E:CAG>GAG; c.1351C>G (LRG_384t1); short protein forms Q451E.
Identifiers: ClinVar variation 181344 (VCV000181344.12), dbSNP rs730880871, ClinGen allele CA010603.